The following is an entry in ClinVar:

NM_032776.3(JMJD1C):c.1767G>T (p.Leu589Phe)

Gene: JMJD1C (jumonji domain containing 1C; minus strand). Cytogenetic location: 10q21.3.
Variant type: single nucleotide variant.
Coding change: c.1767G>T on transcript NM_032776.3 (MANE Select); coding-DNA position 1767, G replaced by T.
Protein change: p.Leu589Phe; replaces leucine 589 with phenylalanine.
Molecular consequence: missense variant. On other transcripts: non-coding transcript variant (1).
Genome position (GRCh38, 1-based): chr10:63,214,400, C>A on the plus strand (G>T on the coding strand, the complement: JMJD1C is on the minus strand). VCF-style: chr10-63214400-C-A. GRCh37 (hg19) VCF-style: chr10-64974160-C-A.
Other names: c.1653G>T, p.Leu551Phe (NM_001322252.2); c.1110G>T, p.Leu370Phe (NM_001322254.2, NM_001322258.2); c.1221G>T, p.Leu407Phe (NM_001282948.2, NM_001318154.2); c.903G>T, p.Leu301Phe (NM_001318153.2); short protein forms L551F, L407F, L301F, L370F, L589F.
Identifiers: ClinVar variation 4740659 (VCV004740659.1).

ClinVar aggregate classification (germline): Uncertain significance (1 of 4 stars; one submission).

Conditions:
Early Myoclonic Encephalopathy. Identifiers: MedGen C0270855.

gnomAD v4.1: 1 of 1,613,900 alleles (0.000062%); highest among the groups gnomAD compares: Non-Finnish European, 0.000085%; no homozygotes.

Submission:

Labcorp Genetics (formerly Invitae), Labcorp
Classification: Uncertain significance for Early Myoclonic Encephalopathy. Last evaluated: 2025-10-09. Review status: criteria provided, single submitter. Criteria: Invitae Variant Classification Sherloc (09022015). Collection method: clinical testing. Allele origin: germline.
Comment: This sequence change replaces leucine, which is neutral and non-polar, with phenylalanine, which is neutral and non-polar, at codon 589 of the JMJD1C protein (p.Leu589Phe). This variant is not present in population databases (gnomAD no frequency). This variant has not been reported in the literature in individuals affected with JMJD1C-related conditions. Invitae Evidence Modeling of protein sequence and biophysical properties (such as structural, functional, and spatial information, amino acid conservation, physicochemical variation, residue mobility, and thermodynamic stability) indicates that this missense variant is expected to disrupt JMJD1C protein function with a positive predictive value of 80%. In summary, the available evidence is currently insufficient to determine the role of this variant in disease. Therefore, it has been classified as a Variant of Uncertain Significance.